The following is an entry in ClinVar:

ClinVar aggregate classification (germline): Uncertain significance (1 of 4 stars; one submission).

Conditions:
Hypohidrotic X-linked ectodermal dysplasia (XHED). Also called: Christ-Siemans-Touraine syndrome; ECTODERMAL DYSPLASIA 1; ECTODERMAL DYSPLASIA, HYPOHIDROTIC, 1; CST SYNDROME; Ectodermal Dysplasia 1, Anhidrotic; Anhidrotic ectodermal dysplasia X-linked. Identifiers: Orphanet 181, Orphanet 238468, MedGen C0162359, MONDO:0010585, OMIM 305100.

Submission:

Victorian Clinical Genetics Services, Murdoch Childrens Research Institute
Classification: Uncertain significance for Hypohidrotic X-linked ectodermal dysplasia. Last evaluated: 2024-10-11. Review status: criteria provided, single submitter. Criteria: ACMG Guidelines, 2015. Collection method: clinical testing. Allele origin: germline. Inheritance: X-linked recessive inheritance. Affected: yes.
Comment: Based on the classification scheme VCGS_Germline_v1.3.5, this variant is classified as VUS-3A. Following criteria are met: 0102 - Loss of function is a known mechanism of disease in this gene and is associated with X-linked recessive ectodermal dysplasia 1, hypohidrotic (HED; MIM#305100) and X-linked dominant tooth agenesis, selective 1 (TA; MIM#313500). (I) 0108 - This gene is associated with both X-linked recessive and dominant disease. Female carriers of variants causing either condition may be normal or mildly affected, depending on skewed X-inactivation (PMID: 18510547, 16583127). (I) 0200 - Variant is predicted to result in a missense amino acid change from glutamine to arginine. (I) 0253 - This variant is hemizygous. (I) 0301 - Variant is absent from gnomAD (v2, v3 and v4). (SP) 0502 - Missense variant with conflicting in silico predictions and uninformative conservation. (I) 0600 - Variant is located in the annotated TNF domain (DECIPHER). (I) 0703 - Other missense variants comparable to the one identified in this case have moderate previous evidence for pathogenicity. p.(Gln358Glu) has been found to segregate with tooth agenesis in a single family (PMID: 17256800). p.(Gln358Leu) and p.(Gln358His) have been identified in individuals with X-Linked hypohidrotic ectodermal dysplasia (PMID: 24724966, 30117778). (SP) 0803 - This variant has limited previous evidence of pathogenicity in an unrelated individual. This variant has been classified as likely pathogenic and was identified in a hemizygote with non-syndromic tooth agenesis (PMIDs: 36071541). (SP) 0905 - No published segregation evidence has been identified for this variant. (I) 1002 - This variant has moderate functional evidence supporting abnormal protein function. Luciferase reporter assay indicates that the variant impairs NF-κB activity transactivation capacity (PMID: 38287639). (SP) 1208 - Inheritance information for this variant is not currently available in this individual. (I) Legend: (SP) - Supporting pathogenic, (I) - Information, (SB) - Supporting benign

Literature cited by the submitters: PubMed 16583127; PubMed 17256800; PubMed 18510547; PubMed 24724966; PubMed 30117778; PubMed 36071541; PubMed 38287639.

NM_001399.5(EDA):c.1073A>G (p.Gln358Arg)

Gene: EDA (ectodysplasin A; plus strand). Cytogenetic location: Xq13.1.
Variant type: single nucleotide variant.
Coding change: c.1073A>G on transcript NM_001399.5 (MANE Select); coding-DNA position 1073, A replaced by G.
Protein change: p.Gln358Arg; replaces glutamine 358 with arginine.
Molecular consequence: missense variant.
Genome position (GRCh38, 1-based): chrX:70,035,506, A>G. VCF-style: chrX-70035506-A-G. GRCh37 (hg19) VCF-style: chrX-69255356-A-G.
Other names: c.1067A>G, p.Gln356Arg (NM_001005609.2); c.1058A>G, p.Gln353Arg (NM_001005612.3); short protein forms Q353R, Q356R, Q358R.
Identifiers: ClinVar variation 3377342 (VCV003377342.1).